The following is an entry in ClinVar:

NM_013450.4(BAZ2B):c.145+1G>A

Gene: BAZ2B (bromodomain adjacent to zinc finger domain 2B; minus strand). Cytogenetic location: 2q24.2.
Variant type: single nucleotide variant.
Coding change: c.145+1G>A on transcript NM_013450.4 (MANE Select); the canonical splice donor site of the intron after coding-DNA position 145, G replaced by A.
Molecular consequence: splice donor variant.
Genome position (GRCh38, 1-based): chr2:159,478,574, C>T on the plus strand (G>A on the coding strand, the complement: BAZ2B is on the minus strand). VCF-style: chr2-159478574-C-T. GRCh37 (hg19) VCF-style: chr2-160335085-C-T.
Other names: c.145+1G>A (NM_001289975.1, NM_001329857.2, NM_001329858.2).
Identifiers: ClinVar variation 4087846 (VCV004087846.2).

ClinVar aggregate classification (germline): Likely pathogenic (1 of 4 stars; one submission).

Submission:

GeneDx
Classification: Likely pathogenic. Last evaluated: 2026-04-02. Review status: criteria provided, single submitter. Criteria: GeneDx Variant Classification Process June 2021. Collection method: clinical testing. Allele origin: germline.
Comment: Canonical splice site variant predicted to result in a null allele in a gene for which loss of function is a known mechanism of disease; Not observed at significant frequency in large population cohorts (gnomAD); Has not been previously published as pathogenic or benign to our knowledge